The following is an entry in ClinVar:

NM_001853.4(COL9A3):c.1976C>G (p.Pro659Arg)

Gene: COL9A3 (collagen type IX alpha 3 chain; plus strand). Cytogenetic location: 20q13.33.
Variant type: single nucleotide variant.
Coding change: c.1976C>G on transcript NM_001853.4 (MANE Select); coding-DNA position 1976, C replaced by G.
Protein change: p.Pro659Arg; replaces proline 659 with arginine.
Molecular consequence: missense variant.
Genome position (GRCh38, 1-based): chr20:62,840,653, C>G. VCF-style: chr20-62840653-C-G. GRCh37 (hg19) VCF-style: chr20-61472005-C-G.
Other names: short protein forms P659R.
Identifiers: ClinVar variation 1335465 (VCV001335465.40), dbSNP rs772818200, ClinGen allele CA409601699.

ClinVar aggregate classification (germline): Uncertain significance. Review status: criteria provided, multiple submitters, no conflicts (2 of 4 stars). 3 submissions from 3 submitters: Uncertain significance (3). Last evaluated 2022-05-04.

gnomAD v4.1: 5 of 1,608,518 alleles (0.00031%); highest among the groups gnomAD compares: African/African-American, 0.0013%; no homozygotes.

Submissions (3):

Labcorp Genetics (formerly Invitae), Labcorp
Classification: Uncertain significance. Last evaluated: 2022-05-04. Review status: criteria provided, single submitter. Criteria: Invitae Variant Classification Sherloc (09022015). Collection method: clinical testing. Allele origin: germline.
Comment: This sequence change replaces proline, which is neutral and non-polar, with arginine, which is basic and polar, at codon 659 of the COL9A3 protein (p.Pro659Arg). In summary, the available evidence is currently insufficient to determine the role of this variant in disease. Therefore, it has been classified as a Variant of Uncertain Significance. Advanced modeling of protein sequence and biophysical properties (such as structural, functional, and spatial information, amino acid conservation, physicochemical variation, residue mobility, and thermodynamic stability) performed at Invitae indicates that this missense variant is not expected to disrupt COL9A3 protein function. ClinVar contains an entry for this variant (Variation ID: 1335465). This variant has not been reported in the literature in individuals affected with COL9A3-related conditions. The frequency data for this variant in the population databases is considered unreliable, as metrics indicate poor data quality at this position in the gnomAD database.

CeGaT Center for Human Genetics Tuebingen
Classification: Uncertain significance. Last evaluated: 2021-11-01. Review status: criteria provided, single submitter. Criteria: CeGaT Center For Human Genetics Tuebingen Variant Classification Criteria Version 2. Collection method: clinical testing. Allele origin: germline. Affected: yes. Observed: 1 variant allele.

Blueprint Genetics
Classification: Uncertain significance. Last evaluated: 2020-01-31. Review status: criteria provided, single submitter. Criteria: ACMG Guidelines, 2015. Collection method: clinical testing. Allele origin: germline.